The following is an entry in ClinVar:

NM_012204.4(GTF3C4):c.700G>A (p.Gly234Arg)

Gene: GTF3C4 (general transcription factor IIIC subunit 4; plus strand). Cytogenetic location: 9q34.13.
Variant type: single nucleotide variant.
Coding change: c.700G>A on transcript NM_012204.4 (MANE Select); coding-DNA position 700, G replaced by A.
Protein change: p.Gly234Arg; replaces glycine 234 with arginine.
Molecular consequence: missense variant. On other transcripts: non-coding transcript variant (1).
Genome position (GRCh38, 1-based): chr9:132,678,319, G>A. VCF-style: chr9-132678319-G-A. GRCh37 (hg19) VCF-style: chr9-135553706-G-A.
Other names: short protein forms G234R.
Identifiers: ClinVar variation 3770531 (VCV003770531.13).

ClinVar aggregate classification (germline): Likely benign (1 of 4 stars; one submission).

gnomAD v4.1: 12,028 of 1,614,148 alleles (0.75%); highest among the groups gnomAD compares: Non-Finnish European, 0.92%; 52 homozygotes.

Submission:

CeGaT Center for Human Genetics Tuebingen
Classification: Likely benign. Last evaluated: 2025-03-01. Review status: criteria provided, single submitter. Criteria: CeGaT Center For Human Genetics Tuebingen Variant Classification Criteria Version 2. Collection method: clinical testing. Allele origin: germline. Affected: yes. Observed: 2 variant alleles.
Comment: GTF3C4: BP4, BS2